The following is an entry in ClinVar:

NM_000271.5(NPC1):c.2911+2del

Gene: NPC1 (NPC intracellular cholesterol transporter 1; minus strand). Cytogenetic location: 18q11.2.
Variant type: Deletion.
Coding change: c.2911+2del on transcript NM_000271.5 (MANE Select); the canonical splice donor site of the intron after coding-DNA position 2911, one base deleted (T; older notation c.2911+2delT).
Molecular consequence: splice donor variant.
Genome position (GRCh38, 1-based): chr18:23,539,353, A deleted on the plus strand (T on the coding strand, the reverse complement: NPC1 is on the minus strand). VCF-style (leftmost placement, unchanged base first): chr18-23539352-TA-T. GRCh37 (hg19) VCF-style: chr18-21119316-TA-T.
Identifiers: ClinVar variation 847952 (VCV000847952.8), dbSNP rs2058678962, ClinGen allele CA916083637.

ClinVar aggregate classification (germline): Likely pathogenic (1 of 4 stars; one submission).

Conditions:
Niemann-Pick disease, type C1. Also called: NEUROVISCERAL STORAGE DISEASE WITH VERTICAL SUPRANUCLEAR OPHTHALMOPLEGIA; NIEMANN-PICK DISEASE WITH CHOLESTEROL ESTERIFICATION BLOCK; NIEMANN-PICK DISEASE WITHOUT SPHINGOMYELINASE DEFICIENCY; NIEMANN-PICK DISEASE, CHRONIC NEURONOPATHIC FORM; NIEMANN-PICK DISEASE, VARIANT TYPE C1. Identifiers: Orphanet 646, MedGen C3179455, MONDO:0009757, OMIM 257220.

Submission:

Labcorp Genetics (formerly Invitae), Labcorp
Classification: Likely pathogenic for Niemann-Pick disease, type C1. Last evaluated: 2019-01-30. Review status: criteria provided, single submitter. Criteria: Invitae Variant Classification Sherloc (09022015). Collection method: clinical testing. Allele origin: germline.
Comment: In summary, the currently available evidence indicates that the variant is pathogenic, but additional data are needed to prove that conclusively. Therefore, this variant has been classified as Likely Pathogenic. Donor and acceptor splice site variants typically lead to a loss of protein function (PMID: 16199547), and loss-of-function variants in NPC1 are known to be pathogenic (PMID: 9211850). Algorithms developed to predict the effect of sequence changes on RNA splicing suggest that this variant may disrupt the consensus splice site, but this prediction has not been confirmed by published transcriptional studies. This variant has not been reported in the literature in individuals with NPC1-related conditions. This variant is not present in population databases (ExAC no frequency). This sequence change affects a donor splice site in intron 19 of the NPC1 gene. It is expected to disrupt RNA splicing and likely results in an absent or disrupted protein product.

Literature cited by the submitters: PubMed 16199547; PubMed 9211850.